The following is an entry in ClinVar:

ClinVar aggregate classification (germline): Likely benign (0 of 4 stars; one submission).

Conditions:
PKD1L1-related disorder. Also called: PKD1L1-related condition.

Submission:

PreventionGenetics, part of Exact Sciences
Classification: Likely benign for PKD1L1-related condition. Last evaluated: 2023-06-15. Review status: no assertion criteria provided. Collection method: clinical testing. Allele origin: germline.
Comment: This variant is classified as likely benign based on ACMG/AMP sequence variant interpretation guidelines (Richards et al. 2015 PMID: 25741868, with internal and published modifications).

NM_138295.5(PKD1L1):c.6471C>T (p.Tyr2157=)

Gene: PKD1L1 (polycystin 1 like 1, transient receptor potential channel interacting; minus strand). Cytogenetic location: 7p12.3.
Variant type: single nucleotide variant.
Coding change: c.6471C>T on transcript NM_138295.5 (MANE Select); coding-DNA position 6471, C replaced by T.
Protein change: p.Tyr2157=; no amino-acid change (tyrosine 2157 retained).
Molecular consequence: synonymous variant.
Genome position (GRCh38, 1-based): chr7:47,831,219, G>A on the plus strand (C>T on the coding strand, the complement: PKD1L1 is on the minus strand). VCF-style: chr7-47831219-G-A. GRCh37 (hg19) VCF-style: chr7-47870817-G-A.
Identifiers: ClinVar variation 3043849 (VCV003043849.2), dbSNP rs2483931604, ClinGen allele CA454917372.